The following is an entry in ClinVar:

NM_002133.3(HMOX1):c.303_328del (p.Trp101fs)

Gene: HMOX1 (heme oxygenase 1; plus strand). Cytogenetic location: 22q12.3.
Variant type: Deletion.
Coding change: c.303_328del on transcript NM_002133.3 (MANE Select); coding-DNA positions 303 to 328, 26 bases deleted (GCAGGAGGTCATCCCCTACACACCAG).
Protein change: p.Trp101fs; shifts the reading frame from tryptophan 101.
Molecular consequence: frameshift variant.
Genome position (GRCh38, 1-based): chr22:35,386,843-35,386,868, GCAGGAGGTCATCCCCTACACACCAG deleted; deleting any 26 consecutive bases within chr22:35,386,842-35,386,868 gives the same sequence; the c. name uses the placement nearest the transcript's 3' end. VCF-style (leftmost placement, unchanged base first): chr22-35386841-TGGCAGGAGGTCATCCCCTACACACCA-T. GRCh37 (hg19) VCF-style: chr22-35782834-TGGCAGGAGGTCATCCCCTACACACCA-T.
Other names: short protein forms W101fs.
Identifiers: ClinVar variation 2841479 (VCV002841479.3), dbSNP rs2517864107, ClinGen allele CA2739267929.

ClinVar aggregate classification (germline): Pathogenic (1 of 4 stars; one submission).

Submission:

Labcorp Genetics (formerly Invitae), Labcorp
Classification: Pathogenic. Last evaluated: 2023-03-13. Review status: criteria provided, single submitter. Criteria: Invitae Variant Classification Sherloc (09022015). Collection method: clinical testing. Allele origin: germline.
Comment: This sequence change creates a premature translational stop signal (p.Trp101Cysfs*31) in the HMOX1 gene. It is expected to result in an absent or disrupted protein product. Loss-of-function variants in HMOX1 are known to be pathogenic (PMID: 9884342, 21088618). This variant is not present in population databases (gnomAD no frequency). For these reasons, this variant has been classified as Pathogenic. This variant has not been reported in the literature in individuals affected with HMOX1-related conditions.

Literature cited by the submitters: PubMed 9884342; PubMed 21088618.